The following is an entry in ClinVar:

NM_006922.4(SCN3A):c.5165C>G (p.Ala1722Gly)

Gene: SCN3A (sodium voltage-gated channel alpha subunit 3; minus strand). Cytogenetic location: 2q24.3.
Variant type: single nucleotide variant.
Coding change: c.5165C>G on transcript NM_006922.4 (MANE Select); coding-DNA position 5165, C replaced by G.
Protein change: p.Ala1722Gly; replaces alanine 1722 with glycine.
Molecular consequence: missense variant.
Genome position (GRCh38, 1-based): chr2:165,090,988, G>C on the plus strand (C>G on the coding strand, the complement: SCN3A is on the minus strand). VCF-style: chr2-165090988-G-C. GRCh37 (hg19) VCF-style: chr2-165947498-G-C.
Other names: c.5018C>G, p.Ala1673Gly (NM_001081676.2, NM_001081677.2); c.5165C>G (NM_006922.3); short protein forms A1673G, A1722G.
Identifiers: ClinVar variation 999332 (VCV000999332.10), dbSNP rs766301560, ClinGen allele CA1938439.

ClinVar aggregate classification (germline): Uncertain significance. Review status: criteria provided, multiple submitters, no conflicts (2 of 4 stars). 3 submissions from 3 submitters: Uncertain significance (3). Last evaluated 2025-08-20.

Conditions:
SCN3A-related disorder. Also called: SCN3A-related condition.
Inborn genetic diseases. Identifiers: MedGen C0950123, MeSH D030342.

Allele frequency attached by ClinVar (database versions not stated): ExAC 0.00002; TOPMed 0.00002; gnomAD exomes below 0.00001; gnomAD 0.00001.
gnomAD v4.1: 4 of 1,614,030 alleles (0.00025%); highest among the groups gnomAD compares: African/African-American, 0.004%; no homozygotes.

Submissions (3):

Ambry Genetics
Classification: Uncertain significance for Inborn genetic diseases. Last evaluated: 2025-08-20. Review status: criteria provided, single submitter. Criteria: Ambry Variant Classification Scheme 2023. Collection method: clinical testing. Allele origin: germline.

Labcorp Genetics (formerly Invitae), Labcorp
Classification: Uncertain significance. Last evaluated: 2024-06-13. Review status: criteria provided, single submitter. Criteria: Invitae Variant Classification Sherloc (09022015). Collection method: clinical testing. Allele origin: germline.
Comment: This sequence change replaces alanine, which is neutral and non-polar, with glycine, which is neutral and non-polar, at codon 1722 of the SCN3A protein (p.Ala1722Gly). This variant is present in population databases (rs766301560, gnomAD 0.008%). This variant has not been reported in the literature in individuals affected with SCN3A-related conditions. ClinVar contains an entry for this variant (Variation ID: 999332). Advanced modeling of protein sequence and biophysical properties (such as structural, functional, and spatial information, amino acid conservation, physicochemical variation, residue mobility, and thermodynamic stability) performed at Invitae indicates that this missense variant is not expected to disrupt SCN3A protein function with a negative predictive value of 95%. In summary, the available evidence is currently insufficient to determine the role of this variant in disease. Therefore, it has been classified as a Variant of Uncertain Significance.

PreventionGenetics, part of Exact Sciences
Classification: Uncertain significance for SCN3A-related condition. Last evaluated: 2023-06-22. Review status: criteria provided, single submitter. Criteria: ACMG Guidelines, 2015. Collection method: clinical testing. Allele origin: germline.
Comment: The SCN3A c.5165C>G variant is predicted to result in the amino acid substitution p.Ala1722Gly. To our knowledge, this variant has not been reported in the literature. This variant is reported in 0.0080% of alleles in individuals of African descent in gnomAD. At this time, the clinical significance of this variant is uncertain due to the absence of conclusive functional and genetic evidence.